The following is an entry in ClinVar:

NM_001358235.2(DCHS2):c.8789A>G (p.Lys2930Arg)

Genes: DCHS2-AS1 (DCHS2 antisense RNA 1; plus strand), DCHS2 (dachsous cadherin-related 2; minus strand). Cytogenetic location: 4q31.3.
Variant type: single nucleotide variant.
Coding change: c.8789A>G on transcript NM_001358235.2 (MANE Select); coding-DNA position 8789, A replaced by G.
Protein change: p.Lys2930Arg; replaces lysine 2930 with arginine.
Molecular consequence: missense variant.
Genome position (GRCh38, 1-based): chr4:154,235,863, T>C on the plus strand (A>G on the coding strand, the complement: DCHS2 is on the minus strand). VCF-style: chr4-154235863-T-C. GRCh37 (hg19) VCF-style: chr4-155157015-T-C.
Other names: NC_000004.11:g.155157015T>C; short protein forms K2930R.
Identifiers: ClinVar variation 3059711 (VCV003059711.3), dbSNP rs61743677, ClinGen allele CA3111868.

ClinVar aggregate classification (germline): Benign (0 of 4 stars; one submission).

Conditions:
DCHS2-related disorder. Also called: DCHS2-related condition.

Allele frequency attached by ClinVar (database versions not stated): ESP Exome Variant Server 0.04283; ExAC 0.05584; gnomAD 0.05832; TOPMed 0.07457; 1000 Genomes Project 0.08167; 1000 Genomes Project 30x 0.08463.
gnomAD v4.1: 56,445 of 1,614,038 alleles (3.5%); highest among the groups gnomAD compares: Admixed American, 27%; 3,304 homozygotes.

Submissions (12):

PreventionGenetics, part of Exact Sciences
Classification: Benign for DCHS2-related condition. Last evaluated: 2019-05-28. Review status: no assertion criteria provided. Collection method: clinical testing. Allele origin: germline.
Comment: This variant is classified as benign based on ACMG/AMP sequence variant interpretation guidelines (Richards et al. 2015 PMID: 25741868, with internal and published modifications).

Dr. Peter K. Rogan Lab, Western University
No classification provided (evidence only). Condition: Lung cancer. Review status: no classification provided. Collection method: in vitro. Allele origin: not applicable. Functional consequence: retained intron. Not counted in ClinVar's aggregate classification.

Dr. Peter K. Rogan Lab, Western University
No classification provided (evidence only). Condition: Melanoma. Review status: no classification provided. Collection method: in vitro. Allele origin: not applicable. Functional consequence: retained intron. Not counted in ClinVar's aggregate classification.

Dr. Peter K. Rogan Lab, Western University
No classification provided (evidence only). Condition: Colon adenocarcinoma. Review status: no classification provided. Collection method: in vitro. Allele origin: not applicable. Functional consequence: retained intron. Not counted in ClinVar's aggregate classification.

Dr. Peter K. Rogan Lab, Western University
No classification provided (evidence only). Condition: Sarcoma. Review status: no classification provided. Collection method: in vitro. Allele origin: not applicable. Functional consequence: retained intron. Not counted in ClinVar's aggregate classification.

Dr. Peter K. Rogan Lab, Western University
No classification provided (evidence only). Condition: Sarcoma. Review status: no classification provided. Collection method: in vitro. Allele origin: not applicable. Functional consequence: retained intron. Not counted in ClinVar's aggregate classification.

Dr. Peter K. Rogan Lab, Western University
No classification provided (evidence only). Condition: Sarcoma. Review status: no classification provided. Collection method: in vitro. Allele origin: not applicable. Functional consequence: retained intron. Not counted in ClinVar's aggregate classification.

Dr. Peter K. Rogan Lab, Western University
No classification provided (evidence only). Condition: Malignant lymphoma, large B-cell, diffuse. Review status: no classification provided. Collection method: in vitro. Allele origin: not applicable. Functional consequence: retained intron. Not counted in ClinVar's aggregate classification.

Dr. Peter K. Rogan Lab, Western University
No classification provided (evidence only). Condition: Thymoma. Review status: no classification provided. Collection method: in vitro. Allele origin: not applicable. Functional consequence: retained intron. Not counted in ClinVar's aggregate classification.

Dr. Peter K. Rogan Lab, Western University
No classification provided (evidence only). Condition: Adrenocortical carcinoma, hereditary. Review status: no classification provided. Collection method: in vitro. Allele origin: not applicable. Functional consequence: retained intron. Not counted in ClinVar's aggregate classification.

Dr. Peter K. Rogan Lab, Western University
No classification provided (evidence only). Condition: Adrenocortical carcinoma, hereditary. Review status: no classification provided. Collection method: in vitro. Allele origin: not applicable. Functional consequence: retained intron. Not counted in ClinVar's aggregate classification.

Dr. Peter K. Rogan Lab, Western University
No classification provided (evidence only). Condition: Uterine carcinosarcoma. Review status: no classification provided. Collection method: in vitro. Allele origin: not applicable. Functional consequence: retained intron. Not counted in ClinVar's aggregate classification.